The following is an entry in ClinVar:

NM_001042492.3(NF1):c.4622C>T (p.Thr1541Ile)

Gene: NF1 (neurofibromin 1; plus strand). Cytogenetic location: 17q11.2.
Variant type: single nucleotide variant.
Coding change: c.4622C>T on transcript NM_001042492.3 (MANE Select); coding-DNA position 4622, C replaced by T.
Protein change: p.Thr1541Ile; replaces threonine 1541 with isoleucine.
Molecular consequence: missense variant.
Genome position (GRCh38, 1-based): chr17:31,261,755, C>T. VCF-style: chr17-31261755-C-T. GRCh37 (hg19) VCF-style: chr17-29588773-C-T.
Other names: c.4559C>T, p.Thr1520Ile (NM_000267.4); short protein forms T1520I, T1541I.
Identifiers: ClinVar variation 1320833 (VCV001320833.3), dbSNP rs2151466288, ClinGen allele CA399000257.
Genomic context (GRCh38, chr17:31,261,755, plus strand): 5'-AGTTTGCTGTATCTAGGGATCATAAAGCTGTTGGAAGACGACCTTTTGATAAGATGGCAA[C>T]ACTTCTTGCATACCTGGGTCCTCCAGAGCACAAACCTGTGGCAGATACACACTGGTCCAG-3'
Protein context (NP_001035957.1, residues 1531-1551): VGRRPFDKMA[Thr1541Ile]LLAYLGPPEH

ClinVar aggregate classification (germline): Uncertain significance. Review status: criteria provided, multiple submitters, no conflicts (2 of 4 stars). 2 submissions from 2 submitters: Uncertain significance (2). Last evaluated 2026-06-14.

Conditions:
Hereditary cancer-predisposing syndrome. Also called: Neoplastic Syndromes, Hereditary; Tumor predisposition; Hereditary Cancer Syndrome; Hereditary neoplastic syndrome. Identifiers: Orphanet 140162, MedGen C0027672, MeSH D009386, MONDO:0015356.
Cardiovascular phenotype. Identifiers: MedGen CN230736.

Submissions (2):

Ambry Genetics
Classification: Uncertain significance for Cardiovascular phenotype; Hereditary cancer-predisposing syndrome. Last evaluated: 2026-06-14. Review status: criteria provided, single submitter. Criteria: Ambry Variant Classification Scheme 2023. Collection method: clinical testing. Allele origin: germline.
Comment: The p.T1520I variant (also known as c.4559C>T), located in coding exon 34 of the NF1 gene, results from a C to T substitution at nucleotide position 4559. The threonine at codon 1520 is replaced by isoleucine, an amino acid with similar properties. This amino acid position is conserved. In addition, the in silico prediction for this alteration is inconclusive. Based on the available evidence, the clinical significance of this variant remains unclear.

GeneDx
Classification: Uncertain significance. Last evaluated: 2020-03-13. Review status: criteria provided, single submitter. Criteria: GeneDx Variant Classification Process June 2021. Collection method: clinical testing. Allele origin: germline. Affected: yes.
Comment: Not observed in large population cohorts (Lek 2016); In silico analysis supports that this missense variant has a deleterious effect on protein structure/function; Has not been previously published as pathogenic or benign to our knowledge